The following is an entry in ClinVar:

ClinVar aggregate classification (germline): Uncertain significance. Review status: criteria provided, multiple submitters, no conflicts (2 of 4 stars). 2 submissions from 2 submitters: Uncertain significance (2). Last evaluated 2025-01-23.

Conditions:
Inborn genetic diseases. Identifiers: MedGen C0950123, MeSH D030342.

Allele frequency attached by ClinVar (database versions not stated): gnomAD 0.00004; TOPMed 0.00004; ExAC 0.00001.
gnomAD v4.1: 22 of 1,608,476 alleles (0.0014%); highest among the groups gnomAD compares: African/African-American, 0.012%; no homozygotes.

Submissions (2):

Ambry Genetics
Classification: Uncertain significance for Inborn genetic diseases. Last evaluated: 2025-01-23. Review status: criteria provided, single submitter. Criteria: Ambry Variant Classification Scheme 2023. Collection method: clinical testing. Allele origin: germline.

Labcorp Genetics (formerly Invitae), Labcorp
Classification: Uncertain significance. Last evaluated: 2022-07-26. Review status: criteria provided, single submitter. Criteria: Invitae Variant Classification Sherloc (09022015). Collection method: clinical testing. Allele origin: germline.
Comment: This sequence change replaces arginine, which is basic and polar, with histidine, which is basic and polar, at codon 255 of the FERMT1 protein (p.Arg255His). This variant is present in population databases (rs777736000, gnomAD 0.008%). This variant has not been reported in the literature in individuals affected with FERMT1-related conditions. ClinVar contains an entry for this variant (Variation ID: 1475809). Algorithms developed to predict the effect of missense changes on protein structure and function are either unavailable or do not agree on the potential impact of this missense change (SIFT: "Deleterious"; PolyPhen-2: "Benign"; Align-GVGD: "Class C0"). In summary, the available evidence is currently insufficient to determine the role of this variant in disease. Therefore, it has been classified as a Variant of Uncertain Significance.

NM_017671.5(FERMT1):c.764G>A (p.Arg255His)

Gene: FERMT1 (FERM domain containing kindlin 1; minus strand). Cytogenetic location: 20p12.3.
Variant type: single nucleotide variant.
Coding change: c.764G>A on transcript NM_017671.5 (MANE Select); coding-DNA position 764, G replaced by A.
Protein change: p.Arg255His; replaces arginine 255 with histidine.
Molecular consequence: missense variant.
Genome position (GRCh38, 1-based): chr20:6,107,617, C>T on the plus strand (G>A on the coding strand, the complement: FERMT1 is on the minus strand). VCF-style: chr20-6107617-C-T. GRCh37 (hg19) VCF-style: chr20-6088264-C-T.
Other names: c.764G>A (NM_017671.4); short protein forms R255H.
Identifiers: ClinVar variation 1475809 (VCV001475809.6), dbSNP rs777736000, ClinGen allele CA9758359.